The following is an entry in ClinVar:

NM_002439.5(MSH3):c.2677A>G (p.Ile893Val)

Gene: MSH3 (mutS homolog 3; plus strand). Cytogenetic location: 5q14.1.
Variant type: single nucleotide variant.
Coding change: c.2677A>G on transcript NM_002439.5 (MANE Select); coding-DNA position 2677, A replaced by G.
Protein change: p.Ile893Val; replaces isoleucine 893 with valine.
Molecular consequence: missense variant.
Genome position (GRCh38, 1-based): chr5:80,813,605, A>G. VCF-style: chr5-80813605-A-G. GRCh37 (hg19) VCF-style: chr5-80109424-A-G.
Other names: short protein forms I893V.
Identifiers: ClinVar variation 1483246 (VCV001483246.6), dbSNP rs2112054153, ClinGen allele CA360273848.

ClinVar aggregate classification (germline): Uncertain significance (1 of 4 stars; one submission).

Submission:

Labcorp Genetics (formerly Invitae), Labcorp
Classification: Uncertain significance. Last evaluated: 2021-11-12. Review status: criteria provided, single submitter. Criteria: Invitae Variant Classification Sherloc (09022015). Collection method: clinical testing. Allele origin: germline.
Comment: In summary, the available evidence is currently insufficient to determine the role of this variant in disease. Therefore, it has been classified as a Variant of Uncertain Significance. Algorithms developed to predict the effect of sequence changes on RNA splicing suggest that this variant may create or strengthen a splice site. Algorithms developed to predict the effect of missense changes on protein structure and function are either unavailable or do not agree on the potential impact of this missense change (SIFT: "Deleterious"; PolyPhen-2: "Benign"; Align-GVGD: "Class C0"). This variant has not been reported in the literature in individuals affected with MSH3-related conditions. This variant is not present in population databases (gnomAD no frequency). This sequence change replaces isoleucine, which is neutral and non-polar, with valine, which is neutral and non-polar, at codon 893 of the MSH3 protein (p.Ile893Val).